The following is an entry in ClinVar:

ClinVar aggregate classification (germline): Likely benign. Review status: criteria provided, multiple submitters, no conflicts (2 of 4 stars). 2 submissions from 2 submitters: Likely benign (2). Last evaluated 2025-02-28.

Conditions:
Hereditary nonpolyposis colorectal neoplasms. Identifiers: MedGen C0009405, MeSH D003123.
Lynch syndrome 4 (LYNCH4). Also called: Hereditary non-polyposis colorectal cancer, type 4; Colorectal cancer, hereditary nonpolyposis, type 4. Identifiers: Orphanet 144, MedGen C1838333, MONDO:0013699, OMIM 614337. Disease mechanism: loss of function.

Submissions (2):

Labcorp Genetics (formerly Invitae), Labcorp
Classification: Likely benign for Hereditary nonpolyposis colorectal neoplasms. Last evaluated: 2025-02-28. Review status: criteria provided, single submitter. Criteria: Invitae Variant Classification Sherloc (09022015). Collection method: clinical testing. Allele origin: germline.

Myriad Genetics, Inc.
Classification: Likely benign for Lynch syndrome 4. Last evaluated: 2025-02-03. Review status: criteria provided, single submitter. Criteria: Myriad Autosomal Dominant, Autosomal Recessive and X-Linked Classification Criteria (2023). Collection method: clinical testing. Allele origin: unknown.
Comment: This variant is considered likely benign. This variant is intronic and is not expected to impact mRNA splicing.

NM_000535.7(PMS2):c.2175-8T>C

Gene: PMS2 (PMS1 homolog 2, mismatch repair system component; minus strand). Cytogenetic location: 7p22.1.
Variant type: single nucleotide variant.
Coding change: c.2175-8T>C on transcript NM_000535.7 (MANE Select); 8 bases into the intron before coding-DNA position 2175, T replaced by C.
Molecular consequence: intron variant.
Genome position (GRCh38, 1-based): chr7:5,978,704, A>G on the plus strand (T>C on the coding strand, the complement: PMS2 is on the minus strand). VCF-style: chr7-5978704-A-G. GRCh37 (hg19) VCF-style: chr7-6018335-A-G.
Other names: c.1857-8T>C (NM_001322008.2, NM_001406883.1, NM_001322007.2 and 1 more transcripts); c.1866-8T>C (NM_001406881.1, NM_001406879.1, NM_001322015.2 and 5 more transcripts); c.1770-8T>C (NM_001406895.1, NM_001322004.2, NM_001406889.1 and 14 more transcripts); c.1404-8T>C (NM_001406911.1); c.1614-8T>C (NM_001322010.2, NM_001406906.1, NM_001406907.1); c.1701-8T>C (NM_001406902.1, NM_001406901.1); c.1662-8T>C (NM_001406904.1, NM_001406905.1); c.1602-8T>C (NM_001322013.2, NM_001406908.1, NM_001406909.1); and 16 more.
Identifiers: ClinVar variation 3904766 (VCV003904766.2).
Genomic context (GRCh38, chr7:5,978,704, plus strand): 5'-GATTTTCTATCAGAACAGCTTCATTAACAGCAGTTAAGTTGAGAGTCTGAGGTCTGAAAA[A>G]CACAAAAATGATTCAAACCATATCCTGAAGTCAAACATTTAGCTTTACAGCAGAAATGAA-3'